The following is an entry in ClinVar:

NM_000135.4(FANCA):c.4261-9C>G

Genes: FANCA (FA complementation group A; minus strand), ZNF276 (zinc finger protein 276; plus strand). Cytogenetic location: 16q24.3.
Variant type: single nucleotide variant.
Coding change: c.4261-9C>G on transcript NM_000135.4 (MANE Select); 9 bases into the intron before coding-DNA position 4261, C replaced by G.
Molecular consequence: intron variant. On other transcripts: 3 prime UTR variant (2), non-coding transcript variant (4).
Genome position (GRCh38, 1-based): chr16:89,738,717, G>C on the plus strand (C>G on the coding strand, the complement: FANCA is on the minus strand). VCF-style: chr16-89738717-G-C. GRCh37 (hg19) VCF-style: chr16-89805125-G-C.
Other names: c.*471G>C (NM_001113525.2, NM_152287.4); c.4265-9C>G (NM_001286167.3).
Identifiers: ClinVar variation 456128 (VCV000456128.20), dbSNP rs368506826, ClinGen allele CA8250602.
Genomic context (GRCh38, chr16:89,738,717, plus strand): 5'-TCTGGAGGGCGGCGCTCACCTCTGGGTCGCAGTCCCCACGATCAGCCAGCAGCTGTGAGA[G>C]AGGAGCAGGTCCTCAGCCCATGCCGCCCACTAGGCCTCAGACCACAGGGGAGGGGCTCTG-3'

ClinVar aggregate classification (germline): Conflicting classifications of pathogenicity. Review status: criteria provided, conflicting classifications (1 of 4 stars). 6 submissions from 6 submitters: Uncertain significance (3); Benign (1); Likely benign (2). Last evaluated 2026-10-01.

Conditions:
Fanconi anemia (FA). Also called: Fanconi's anemia. Identifiers: Orphanet 84, MedGen C0015625, MeSH D005199, MONDO:0019391.
Fanconi anemia complementation group A (FANCA). Also called: FANCA-Related Fanconi Anemia; Fanconi anemia, group A. Identifiers: Orphanet 84, MedGen C3469521, MONDO:0009215, OMIM 227650.

Allele frequency attached by ClinVar (database versions not stated): TOPMed 0.00010; gnomAD 0.00012 and 0.00016; ESP Exome Variant Server 0.00023; 1000 Genomes Project 30x 0.00016; 1000 Genomes Project 0.00020.
gnomAD v4.1: 253 of 1,613,784 alleles (0.016%); highest among the groups gnomAD compares: Middle Eastern, 0.18%; 1 homozygote.

Submissions (7):

St. Jude Molecular Pathology, St. Jude Children's Research Hospital
Classification: Uncertain significance for Fanconi anemia complementation group A. Last evaluated: 2026-10-01. Review status: criteria provided, single submitter. Criteria: St. Jude Assertion Criteria 2020. Collection method: clinical testing. Allele origin: germline.
Comment: The FANCA c.4261-9C>G intronic change results in a C to G substitution at the -9 position of intron 42 of the FANCA gene. Algorithms that predict the impact of sequence changes on splicing are inconclusive. This variant has a maximum subpopulation frequency of 0.1% in gnomAD v2.1.1. To our knowledge, this variant has not been reported in individual s with Fanconi anemia. In summary, the evidence currently available is insufficient to determine the clinical significance of this variant. It has therefore been classified as of uncertain significance (VUS-Low).

Labcorp Genetics (formerly Invitae), Labcorp
Classification: Benign for Fanconi anemia. Last evaluated: 2026-01-25. Review status: criteria provided, single submitter. Criteria: Invitae Variant Classification Sherloc (09022015). Collection method: clinical testing. Allele origin: germline.

Quest Diagnostics Nichols Institute San Juan Capistrano
Classification: Likely benign. Last evaluated: 2025-01-20. Review status: criteria provided, single submitter. Criteria: Quest Diagnostics criteria. Collection method: clinical testing. Allele origin: unknown.

Blueprint Genetics
Classification: Likely benign. Last evaluated: 2024-11-26. Review status: criteria provided, single submitter. Criteria: ACMG Guidelines, 2015. Collection method: clinical testing. Allele origin: germline.

Sema4
Classification: Uncertain significance for Fanconi anemia. Last evaluated: 2021-11-02. Review status: criteria provided, single submitter. Criteria: Sema4 Curation Guidelines. Collection method: curation. Allele origin: germline.
Comment: The FANCA c.4261-9C>G variant has not been reported in the literature to our knowledge. It was observed in 14/10294 chromosomes of the Ashkenazi Jewish subpopulation, with no homozygotes, in the large and broad cohorts of the Genome Aggregation Database (PMID: 32461654). The variant has been reported in ClinVar (Variation ID 456128). In silico tools suggest that the variant does not impact splicing, though these predictions have not been confirmed by functional studies. The evidence is insufficient to meet ACMG/AMP criteria for classifying the variant as benign or pathogenic. Thus, the clinical significance of this variant is currently uncertain.

Illumina Laboratory Services, Illumina
Classification: Uncertain significance for Fanconi anemia complementation group A. Last evaluated: 2018-01-13. Review status: criteria provided, single submitter. Criteria: ICSL Variant Classification Criteria 13 December 2019. Collection method: clinical testing. Allele origin: germline.

Dr. Peter K. Rogan Lab, Western University
No classification provided (evidence only). Condition: Sarcoma. Review status: no classification provided. Collection method: in vitro. Allele origin: not applicable. Functional consequence: retained intron. Not counted in ClinVar's aggregate classification.